The following is an entry in ClinVar:

ClinVar aggregate classification (germline): Pathogenic/Likely pathogenic. Review status: criteria provided, multiple submitters, no conflicts (2 of 4 stars). 5 submissions from 5 submitters: Pathogenic (3); Likely pathogenic (1). 1 of the submissions does not count toward it. Last evaluated 2025-02-28.

Conditions:
Primary ciliary dyskinesia 3. Identifiers: Orphanet 244, MedGen C1837618, MONDO:0012085, OMIM 608644.
DNAH5-related disorder. Also called: DNAH5-related condition.
Primary ciliary dyskinesia. Also called: Ciliary dyskinesia. Identifiers: Orphanet 244, MedGen C0008780, MONDO:0016575, HP:0012265.

Submissions (5):

Natera, Inc.
Classification: Likely pathogenic for Primary ciliary dyskinesia. Last evaluated: 2025-02-28. Review status: criteria provided, single submitter. Criteria: Natera Variant Classification Schema (03/2026). Collection method: clinical testing. Allele origin: germline.
Comment: The c.8024_8025dupTA variant in DNAH5 is a frameshift variant predicted to shift the reading frame and introduce a stop codon. This variant is expected to result in nonsense mediated decay, truncation, or a dysfunctional protein product. This variant is rare in the general population with a frequency below the threshold expected for the associated phenotype(s). Given the available evidence, this variant is classified as Likely Pathogenic.

Labcorp Genetics (formerly Invitae), Labcorp
Classification: Pathogenic for Primary ciliary dyskinesia. Last evaluated: 2022-07-08. Review status: criteria provided, single submitter. Criteria: Invitae Variant Classification Sherloc (09022015). Collection method: clinical testing. Allele origin: germline.
Comment: For these reasons, this variant has been classified as Pathogenic. ClinVar contains an entry for this variant (Variation ID: 407233). This variant has not been reported in the literature in individuals affected with DNAH5-related conditions. This variant is present in population databases (no rsID available, gnomAD 0.003%). This sequence change creates a premature translational stop signal (p.Val2676*) in the DNAH5 gene. It is expected to result in an absent or disrupted protein product. Loss-of-function variants in DNAH5 are known to be pathogenic (PMID: 11788826, 16627867).

Revvity Omics, Revvity
Classification: Pathogenic for Primary ciliary dyskinesia 3. Last evaluated: 2020-03-20. Review status: criteria provided, single submitter. Criteria: ACMG Guidelines, 2015. Collection method: clinical testing. Allele origin: germline.

Ambry Genetics
Classification: Pathogenic for Primary ciliary dyskinesia. Last evaluated: 2015-06-12. Review status: criteria provided, single submitter. Criteria: Ambry Variant Classification Scheme 2023. Collection method: clinical testing. Allele origin: germline.
Comment: The c.8024_8025dupTA pathogenic mutation, located in coding exon 49 of the DNAH5 gene, results from a duplication of TA at nucleotide position 8024, causing a translational frameshift with a predicted alternate stop codon. Since frameshifts are typically deleterious in nature, this alteration is interpreted as a disease-causing mutation (ACMG Recommendations for Standards for Interpretation and Reporting of Sequence Variations. Revision 2007. Genet Med. 2008;10:294).

PreventionGenetics, part of Exact Sciences
Classification: Pathogenic for DNAH5-related condition. Last evaluated: 2024-06-07. Review status: no assertion criteria provided. Collection method: clinical testing. Allele origin: germline. Not counted in ClinVar's aggregate classification.
Comment: The DNAH5 c.8024_8025dupTA variant is predicted to result in premature protein termination (p.Val2676*). To our knowledge, this variant has not been reported in the literature. This variant is reported in 0.0029% of alleles in individuals of Latino descent in gnomAD. Protein truncating variants in DNAH5 are expected to be pathogenic. This variant is interpreted as pathogenic.

Literature cited by the submitters: PubMed 11788826 (cited by Labcorp Genetics (formerly Invitae), Labcorp); PubMed 16627867 (cited by Labcorp Genetics (formerly Invitae), Labcorp).

NM_001369.3(DNAH5):c.8024_8025dup (p.Val2676Ter)

Gene: DNAH5 (dynein axonemal heavy chain 5; minus strand). Cytogenetic location: 5p15.2.
Variant type: Duplication.
Coding change: c.8024_8025dup on transcript NM_001369.3 (MANE Select); coding-DNA positions 8024 to 8025, 2 bases duplicated (TA; older notation c.8024_8025dupTA).
Protein change: p.Val2676Ter; replaces valine 2676 with a stop codon.
Molecular consequence: nonsense.
Genome position (GRCh38, 1-based): chr5:13,793,714-13,793,715, TA duplicated on the plus strand (TA on the coding strand, the reverse complement: DNAH5 is on the minus strand); duplicating any 2 consecutive bases within chr5:13,793,714-13,793,716 gives the same sequence; the c. name uses the placement nearest the transcript's 3' end. VCF-style (leftmost placement, unchanged base first): chr5-13793713-C-CTA. GRCh37 (hg19) VCF-style: chr5-13793822-C-CTA.
Other names: c.8024_8025dupTA (NM_001369.2); short protein forms V2676*.
Identifiers: ClinVar variation 407233 (VCV000407233.26), dbSNP rs1060501459, ClinGen allele CA16611871.